The following is an entry in ClinVar:

ClinVar aggregate classification (germline): Conflicting classifications of pathogenicity. Review status: criteria provided, conflicting classifications (1 of 4 stars). 4 submissions from 4 submitters: Likely pathogenic (1); Likely risk allele (1); Uncertain significance (1). 1 of the submissions does not count toward it. Last evaluated 2023-12-31.

Conditions:
Wolfram syndrome 1 (WFS1). Identifiers: Orphanet 3463, MedGen C4551693, MONDO:0009101, OMIM 222300.

Submissions (4):

Labcorp Genetics (formerly Invitae), Labcorp
Classification: Uncertain significance. Last evaluated: 2023-12-31. Review status: criteria provided, single submitter. Criteria: Invitae Variant Classification Sherloc (09022015). Collection method: clinical testing. Allele origin: germline.
Comment: This variant, c.1049_1051del, results in the deletion of 1 amino acid(s) of the WFS1 protein (p.Phe350del), but otherwise preserves the integrity of the reading frame. This variant is present in population databases (no rsID available, gnomAD 0.0009%). This variant has been observed in individual(s) with Wolfram syndrome (PMID: 11161832, 28432734). This variant is also known as c.1046delTCT (350delF). ClinVar contains an entry for this variant (Variation ID: 562461). Experimental studies and prediction algorithms are not available or were not evaluated, and the functional significance of this variant is currently unknown. In summary, the available evidence is currently insufficient to determine the role of this variant in disease. Therefore, it has been classified as a Variant of Uncertain Significance.

GeneDx
Classification: Likely pathogenic. Last evaluated: 2020-08-27. Review status: criteria provided, single submitter. Criteria: GeneDx Variant Classification Process June 2021. Collection method: clinical testing. Allele origin: germline. Affected: yes.
Comment: In-frame deletion of 1 amino acids in a non-repeat region; Not observed at a significant frequency in large population cohorts (Lek et al., 2016); In silico analysis supports a deleterious effect on protein structure/function; This variant is associated with the following publications: (PMID: 11317350, 29277467, 15151504, 12955714, 11161832)

Clinical Genomics, Uppaluri K&H Personalized Medicine Clinic
Classification: Likely risk allele for Wolfram syndrome 1. Review status: criteria provided, single submitter. Criteria: K & H Uppaluri Personalized Medicine Clinic Variant Classification & Assertion Criteria_Updated V.1. Collection method: research. Allele origin: unknown. Inheritance: Autosomal recessive inheritance.
Comment: Potent mutations in WFS1 gene are associated with Wolfram's syndrome, an autosomal recessive condition, which cause diabetes mellitus, diabetes insipidus, deafness and optic atrophy.However no sufficient evidence is found to ascertain the role of this particular variant rs1560418164 in Wolfram's syndrome yet.

Gharavi Laboratory, Columbia University
Classification: Likely pathogenic. Last evaluated: 2018-09-16. Review status: no assertion criteria provided. Criteria: ACMG Guidelines, 2015. Collection method: research. Allele origin: germline. Affected: yes. Not counted in ClinVar's aggregate classification.

Literature cited by the submitters: PubMed 11161832 (cited by Labcorp Genetics (formerly Invitae), Labcorp); PubMed 28432734 (cited by Labcorp Genetics (formerly Invitae), Labcorp); PubMed 20738327 (cited by Clinical Genomics, Uppaluri K&H Personalized Medicine Clinic); PubMed 33879153 (cited by Clinical Genomics, Uppaluri K&H Personalized Medicine Clinic); PubMed 12955714 (cited by Clinical Genomics, Uppaluri K&H Personalized Medicine Clinic); PubMed 18060660 (cited by Clinical Genomics, Uppaluri K&H Personalized Medicine Clinic); PubMed 20301750 (cited by Clinical Genomics, Uppaluri K&H Personalized Medicine Clinic); PubMed 17603484 (cited by Clinical Genomics, Uppaluri K&H Personalized Medicine Clinic).

NM_006005.3(WFS1):c.1046TCT[1] (p.Phe350del)

Gene: WFS1 (wolframin ER transmembrane glycoprotein; plus strand). Cytogenetic location: 4p16.1.
Variant type: Microsatellite.
Coding change: c.1046TCT[1] on transcript NM_006005.3 (MANE Select); one copy of the 3-base unit TCT starting at c.1046; the reference has two copies in a row; one copy, 3 bases deleted.
Protein change: p.Phe350del; deletes phenylalanine 350.
Molecular consequence: inframe deletion.
Genome position (GRCh38, 1-based): chr4:6,300,844-6,300,846, TCT deleted; deleting any 3 consecutive bases within chr4:6,300,841-6,300,846 gives the same sequence; the position shown is the placement nearest the transcript's 3' end. VCF-style (leftmost placement, unchanged base first): chr4-6300840-ATCT-A. GRCh37 (hg19) VCF-style: chr4-6302567-ATCT-A.
Other names: c.1046TCT[1], p.Phe350del (NM_001145853.1); c.1049_1051delTCT (NM_006005.3); short protein forms F350del.
Identifiers: ClinVar variation 562461 (VCV000562461.8), dbSNP rs1560418164, ClinGen allele CA438367905.